The following is an entry in ClinVar:

ClinVar aggregate classification (germline): Uncertain significance. Review status: criteria provided, multiple submitters, no conflicts (2 of 4 stars). 3 submissions from 3 submitters: Uncertain significance (2). 1 of the submissions does not count toward it. Last evaluated 2025-03-10.

Conditions:
Intellectual developmental disorder, X-linked, syndromic, Turner type. Also called: X-linked intellectual disability, Turner type; Intellectual disability, X-linked syndromic, Turner type. Identifiers: Orphanet 3056, Orphanet 85328, MedGen C2678046, MONDO:0010407, OMIM 309590.
HUWE1-related disorder. Also called: HUWE1-related condition.

Allele frequency attached by ClinVar (database versions not stated): gnomAD exomes below 0.00001; ExAC 0.00001; gnomAD 0.00001.
gnomAD v4.1: 4 of 1,209,130 alleles (0.00033%); highest among the groups gnomAD compares: African/African-American, 0.0018%; no homozygotes.

Submissions (3):

GeneDx
Classification: Uncertain significance. Last evaluated: 2025-03-10. Review status: criteria provided, single submitter. Criteria: GeneDx Variant Classification Process June 2021. Collection method: clinical testing. Allele origin: germline. Affected: yes.
Comment: In silico analysis supports that this missense variant has a deleterious effect on protein structure/function; Has not been previously published as pathogenic or benign to our knowledge

Institute for Medical Genetics and Human Genetics, Charité - Universitätsmedizin Berlin
Classification: Uncertain significance for Intellectual developmental disorder, X-linked, syndromic, Turner type. Review status: criteria provided, single submitter. Criteria: ACMG Guidelines, 2015. Collection method: not provided. Allele origin: germline. Inheritance: X-linked inheritance. Affected: yes.

PreventionGenetics, part of Exact Sciences
Classification: Uncertain significance for HUWE1-related condition. Last evaluated: 2024-06-18. Review status: no assertion criteria provided. Collection method: clinical testing. Allele origin: germline. Not counted in ClinVar's aggregate classification.
Comment: The HUWE1 c.12943G>A variant is predicted to result in the amino acid substitution p.Glu4315Lys. To our knowledge, this variant has not been reported in the literature. This variant is reported in 0.0012% of alleles in individuals of European (Non-Finnish) descent in gnomAD. At this time, the clinical significance of this variant is uncertain due to the absence of conclusive functional and genetic evidence.

NM_031407.7(HUWE1):c.12943G>A (p.Glu4315Lys)

Gene: HUWE1 (HECT, UBA and WWE domain containing E3 ubiquitin protein ligase 1; minus strand). Cytogenetic location: Xp11.22.
Variant type: single nucleotide variant.
Coding change: c.12943G>A on transcript NM_031407.7 (MANE Select); coding-DNA position 12943, G replaced by A.
Protein change: p.Glu4315Lys; replaces glutamic acid 4315 with lysine.
Molecular consequence: missense variant.
Genome position (GRCh38, 1-based): chrX:53,534,086, C>T on the plus strand (G>A on the coding strand, the complement: HUWE1 is on the minus strand). VCF-style: chrX-53534086-C-T. GRCh37 (hg19) VCF-style: chrX-53561047-C-T.
Other names: c.12943G>A (NM_031407.6); short protein forms E4315K.
Identifiers: ClinVar variation 2446567 (VCV002446567.4), dbSNP rs782448394, ClinGen allele CA10421115.